The following is an entry in ClinVar:

NC_000007.13:g.(?_117267566)_(117267869_?)dup

Gene: CFTR (CF transmembrane conductance regulator; plus strand). Cytogenetic location: 7q31.2.
Variant type: Duplication.
Identifiers: ClinVar variation 2423163 (VCV002423163.3).

ClinVar aggregate classification (germline): Uncertain significance (1 of 4 stars; one submission).

Conditions:
Cystic fibrosis (CF). Also called: MUCOVISCIDOSIS. Identifiers: Orphanet 586, MedGen C0010674, MONDO:0009061, OMIM 219700. Disease mechanism: loss of function.

Submission:

Labcorp Genetics (formerly Invitae), Labcorp
Classification: Uncertain significance for Cystic fibrosis. Last evaluated: 2021-08-04. Review status: criteria provided, single submitter. Criteria: Invitae Variant Classification Sherloc (09022015). Collection method: clinical testing. Allele origin: germline.
Comment: This variant results in a copy number gain of the genomic region encompassing exon(s) 22 of the CFTR gene. While the exact position of this variant cannot be determined from the data, sub-genic copy number gains are generally in tandem (PMID: 25640679). This variant is predicted to be in-frame, and likely preserves the integrity of the reading frame. A similar copy number variant has been observed in individual(s) with cystic fibrosis (PMID: 20052766). This variant is also known as a duplication of exon 19. Experimental studies and prediction algorithms are not available or were not evaluated, and the functional significance of this variant is currently unknown. In summary, the available evidence is currently insufficient to determine the role of this variant in disease. Therefore, it has been classified as a Variant of Uncertain Significance.

Literature cited by the submitters: PubMed 25640679; PubMed 20052766.